The following is an entry in ClinVar:

NM_000327.4(ROM1):c.866T>A (p.Leu289Gln)

Gene: ROM1 (retinal outer segment membrane protein 1; plus strand). Cytogenetic location: 11q12.3.
Variant type: single nucleotide variant.
Coding change: c.866T>A on transcript NM_000327.4 (MANE Select); coding-DNA position 866, T replaced by A.
Protein change: p.Leu289Gln; replaces leucine 289 with glutamine.
Molecular consequence: missense variant.
Genome position (GRCh38, 1-based): chr11:62,614,649, T>A. VCF-style: chr11-62614649-T-A. GRCh37 (hg19) VCF-style: chr11-62382121-T-A.
Other names: short protein forms L289Q.
Identifiers: ClinVar variation 1510547 (VCV001510547.8), dbSNP rs2134424280, ClinGen allele CA380972871.

ClinVar aggregate classification (germline): Uncertain significance (1 of 4 stars; one submission).

Submission:

Labcorp Genetics (formerly Invitae), Labcorp
Classification: Uncertain significance. Last evaluated: 2022-11-01. Review status: criteria provided, single submitter. Criteria: Invitae Variant Classification Sherloc (09022015). Collection method: clinical testing. Allele origin: germline.
Comment: This sequence change replaces leucine, which is neutral and non-polar, with glutamine, which is neutral and polar, at codon 289 of the ROM1 protein (p.Leu289Gln). This variant is not present in population databases (gnomAD no frequency). This variant has not been reported in the literature in individuals affected with ROM1-related conditions. ClinVar contains an entry for this variant (Variation ID: 1510547). Advanced modeling of protein sequence and biophysical properties (such as structural, functional, and spatial information, amino acid conservation, physicochemical variation, residue mobility, and thermodynamic stability) performed at Invitae indicates that this missense variant is not expected to disrupt ROM1 protein function. In summary, the available evidence is currently insufficient to determine the role of this variant in disease. Therefore, it has been classified as a Variant of Uncertain Significance.